The following is an entry in ClinVar:

NM_000080.4(CHRNE):c.1004C>T (p.Thr335Ile)

Gene: CHRNE (cholinergic receptor nicotinic epsilon subunit; minus strand). Cytogenetic location: 17p13.2.
Variant type: single nucleotide variant.
Coding change: c.1004C>T on transcript NM_000080.4 (MANE Select); coding-DNA position 1004, C replaced by T.
Protein change: p.Thr335Ile; replaces threonine 335 with isoleucine.
Molecular consequence: missense variant.
Genome position (GRCh38, 1-based): chr17:4,899,496, G>A on the plus strand (C>T on the coding strand, the complement: CHRNE is on the minus strand). VCF-style: chr17-4899496-G-A. GRCh37 (hg19) VCF-style: chr17-4802791-G-A.
Other names: c.1004C>T (NM_000080.3); short protein forms T335I.
Identifiers: ClinVar variation 2085400 (VCV002085400.4), dbSNP rs781253835, ClinGen allele CA8314079.

ClinVar aggregate classification (germline): Uncertain significance. Review status: criteria provided, multiple submitters, no conflicts (2 of 4 stars). 2 submissions from 2 submitters: Uncertain significance (2). Last evaluated 2022-08-09.

Conditions:
Congenital myasthenic syndrome 4A. Also called: Myasthenic syndrome, congenital, 4a, slow-channel; MYASTHENIC SYNDROME, CONGENITAL, 4A, SLOW-CHANNEL, AUTOSOMAL RECESSIVE; CONGENITAL MYASTHENIC SYNDROME TYPE Ia1. Identifiers: Orphanet 590, MedGen C4225413, MONDO:0011600, OMIM 605809.

Allele frequency attached by ClinVar (database versions not stated): gnomAD 0.00001; gnomAD exomes 0.00003; TOPMed 0.00003; ExAC 0.00004.
gnomAD v4.1: 48 of 1,601,938 alleles (0.003%); highest among the groups gnomAD compares: Non-Finnish European, 0.0038%; no homozygotes.

Submissions (2):

Labcorp Genetics (formerly Invitae), Labcorp
Classification: Uncertain significance for Congenital myasthenic syndrome 4A. Last evaluated: 2022-08-09. Review status: criteria provided, single submitter. Criteria: Invitae Variant Classification Sherloc (09022015). Collection method: clinical testing. Allele origin: germline.
Comment: This sequence change replaces threonine, which is neutral and polar, with isoleucine, which is neutral and non-polar, at codon 335 of the CHRNE protein (p.Thr335Ile). The frequency data for this variant in the population databases is considered unreliable, as metrics indicate poor data quality at this position in the gnomAD database. This variant has not been reported in the literature in individuals affected with CHRNE-related conditions. Advanced modeling of protein sequence and biophysical properties (such as structural, functional, and spatial information, amino acid conservation, physicochemical variation, residue mobility, and thermodynamic stability) performed at Invitae indicates that this missense variant is expected to disrupt CHRNE protein function. In summary, the available evidence is currently insufficient to determine the role of this variant in disease. Therefore, it has been classified as a Variant of Uncertain Significance.

Revvity Omics, Revvity
Classification: Uncertain significance. Last evaluated: 2020-04-03. Review status: criteria provided, single submitter. Criteria: ACMG Guidelines, 2015. Collection method: clinical testing. Allele origin: germline.